The following is an entry in ClinVar:

ClinVar aggregate classification (germline): Uncertain significance (1 of 4 stars; one submission).

Conditions:
Inborn genetic diseases. Identifiers: MedGen C0950123, MeSH D030342.

gnomAD v4.1: 1 of 1,612,654 alleles (0.000062%); no homozygotes.

Submission:

Ambry Genetics
Classification: Uncertain significance for Inborn genetic diseases. Last evaluated: 2025-04-06. Review status: criteria provided, single submitter. Criteria: Ambry Variant Classification Scheme 2023. Collection method: clinical testing. Allele origin: germline.
Comment: The p.T914N variant (also known as c.2741C>A), located in coding exon 28 of the RTEL1 gene, results from a C to A substitution at nucleotide position 2741. The threonine at codon 914 is replaced by asparagine, an amino acid with similar properties. This amino acid position is conserved. In addition, this alteration is predicted to be tolerated by in silico analysis. Based on the available evidence, the clinical significance of this variant remains unclear.

NM_001283009.2(RTEL1):c.2741C>A (p.Thr914Asn)

Genes: RTEL1 (regulator of telomere elongation helicase 1; plus strand), RTEL1-TNFRSF6B (RTEL1-TNFRSF6B readthrough (NMD candidate); plus strand). Cytogenetic location: 20q13.33.
Variant type: single nucleotide variant.
Coding change: c.2741C>A on transcript NM_001283009.2 (MANE Select); coding-DNA position 2741, C replaced by A.
Protein change: p.Thr914Asn; replaces threonine 914 with asparagine.
Molecular consequence: missense variant. On other transcripts: non-coding transcript variant (1).
Genome position (GRCh38, 1-based): chr20:63,692,893, C>A. VCF-style: chr20-63692893-C-A. GRCh37 (hg19) VCF-style: chr20-62324246-C-A.
Other names: c.2072C>A, p.Thr691Asn (NM_001283010.1); c.2741C>A, p.Thr914Asn (NM_016434.4); c.2813C>A, p.Thr938Asn (NM_032957.5); short protein forms T691N, T938N, T914N.
Identifiers: ClinVar variation 3948303 (VCV003948303.1).
Genomic context (GRCh38, chr20:63,692,893, plus strand): 5'-ACAGGGCCAAGCTCTTCATGGTGGCCGTGAAGCAGGAGTTGAGCCAAGCCAACTTTGCCA[C>A]CTTCACCCAGGCCCTGCAGGACTACAAGGGTTCCGATGACTTCGCCGCCCTGGCCGCCTG-3'
Protein context (NP_001269938.1, residues 904-924): KQELSQANFA[Thr914Asn]FTQALQDYKG